The following is an entry in ClinVar:

NM_001356.5(DDX3X):c.444-2A>T

Gene: DDX3X (DEAD-box helicase 3 X-linked; plus strand). Cytogenetic location: Xp11.4.
Variant type: single nucleotide variant.
Coding change: c.444-2A>T on transcript NM_001356.5 (MANE Select); the canonical splice acceptor site of the intron before coding-DNA position 444, A replaced by T.
Molecular consequence: splice acceptor variant.
Genome position (GRCh38, 1-based): chrX:41,342,735, A>T. VCF-style: chrX-41342735-A-T. GRCh37 (hg19) VCF-style: chrX-41201988-A-T.
Other names: c.444-2A>T (NM_001193416.3); c.396-2A>T (NM_001193417.3); c.-115-2A>T (NM_001363819.1).
Identifiers: ClinVar variation 2766068 (VCV002766068.4), dbSNP rs2519509450, ClinGen allele CA412766849.

ClinVar aggregate classification (germline): Likely pathogenic (1 of 4 stars; one submission).

Submissions (2):

Labcorp Genetics (formerly Invitae), Labcorp
Classification: Likely pathogenic. Last evaluated: 2023-10-05. Review status: criteria provided, single submitter. Criteria: Invitae Variant Classification Sherloc (09022015). Collection method: clinical testing. Allele origin: germline.
Comment: This sequence change affects an acceptor splice site in intron 5 of the DDX3X gene. It is expected to disrupt RNA splicing. Variants that disrupt the donor or acceptor splice site typically lead to a loss of protein function (PMID: 16199547), and loss-of-function variants in DDX3X are known to be pathogenic (PMID: 26235985). This variant is not present in population databases (gnomAD no frequency). Disruption of this splice site has been observed in individual(s) with clinical features of DDX3X-related conditions (Invitae). Algorithms developed to predict the effect of sequence changes on RNA splicing suggest that this variant may disrupt the consensus splice site. In summary, the currently available evidence indicates that the variant is pathogenic, but additional data are needed to prove that conclusively. Therefore, this variant has been classified as Likely Pathogenic.

Dr. Peter K. Rogan Lab, Western University
No classification provided (evidence only). Condition: Nonpapillary renal cell carcinoma. Review status: no classification provided. Collection method: in vitro. Allele origin: not applicable. Functional consequence: retained intron. Not counted in ClinVar's aggregate classification.

Literature cited by the submitters: PubMed 16199547 (cited by Labcorp Genetics (formerly Invitae), Labcorp); PubMed 26235985 (cited by Labcorp Genetics (formerly Invitae), Labcorp).